The following is an entry in ClinVar:

NM_018838.5(NDUFA12):c.211A>G (p.Lys71Glu)

Gene: NDUFA12 (NADH:ubiquinone oxidoreductase subunit A12; minus strand). Cytogenetic location: 12q22.
Variant type: single nucleotide variant.
Coding change: c.211A>G on transcript NM_018838.5 (MANE Select); coding-DNA position 211, A replaced by G.
Protein change: p.Lys71Glu; replaces lysine 71 with glutamic acid.
Molecular consequence: missense variant. On other transcripts: intron variant (1).
Genome position (GRCh38, 1-based): chr12:94,994,216, T>C on the plus strand (A>G on the coding strand, the complement: NDUFA12 is on the minus strand). VCF-style: chr12-94994216-T-C. GRCh37 (hg19) VCF-style: chr12-95387992-T-C.
Other names: c.169+8523A>G (NM_001258338.2); c.211A>G (NM_018838.3); short protein forms K71E.
Identifiers: ClinVar variation 2505024 (VCV002505024.2), dbSNP rs2499496162, ClinGen allele CA386039732.
Genomic context (GRCh38, chr12:94,994,216, plus strand): 5'-TTGTCTTAGCTTACCATTCAGGAGGCACCATGCTTCCATCCACATCCCAGAATGTGTTTT[T>C]GCCATTCATTTCAGTAGTATATACAACCCATCGGTGACGGCCTGGGTGGGAAGATGAACA-3'
Protein context (NP_061326.1, residues 61-81): WVVYTTEMNG[Lys71Glu]NTFWDVDGSM

ClinVar aggregate classification (germline): Uncertain significance. Review status: criteria provided, multiple submitters, no conflicts (2 of 4 stars). 2 submissions from 2 submitters: Uncertain significance (2). Last evaluated 2024-09-24.

Conditions:
Inborn genetic diseases. Identifiers: MedGen C0950123, MeSH D030342.

Submissions (2):

Ambry Genetics
Classification: Uncertain significance for Inborn genetic diseases. Last evaluated: 2024-09-24. Review status: criteria provided, single submitter. Criteria: Ambry Variant Classification Scheme 2023. Collection method: clinical testing. Allele origin: germline.

GeneDx
Classification: Uncertain significance. Last evaluated: 2022-12-07. Review status: criteria provided, single submitter. Criteria: GeneDx Variant Classification Process June 2021. Collection method: clinical testing. Allele origin: germline. Affected: yes.
Comment: Not observed at significant frequency in large population cohorts (gnomAD); In silico analysis supports that this missense variant does not alter protein structure/function; Has not been previously published as pathogenic or benign to our knowledge